The following is an entry in ClinVar:

NM_001849.4(COL6A2):c.2905G>C (p.Val969Leu)

Gene: COL6A2 (collagen type VI alpha 2 chain; plus strand). Cytogenetic location: 21q22.3.
Variant type: single nucleotide variant.
Coding change: c.2905G>C on transcript NM_001849.4 (MANE Select); coding-DNA position 2905, G replaced by C.
Protein change: p.Val969Leu; replaces valine 969 with leucine.
Molecular consequence: missense variant.
Genome position (GRCh38, 1-based): chr21:46,132,397, G>C. VCF-style: chr21-46132397-G-C. GRCh37 (hg19) VCF-style: chr21-47552311-G-C.
Other names: short protein forms V969L.
Identifiers: ClinVar variation 445599 (VCV000445599.7), dbSNP rs763443381, ClinGen allele CA410549992.

ClinVar aggregate classification (germline): Uncertain significance. Review status: criteria provided, multiple submitters, no conflicts (2 of 4 stars). 2 submissions from 2 submitters: Uncertain significance (2). Last evaluated 2025-10-13.

Conditions:
Bethlem myopathy 1A. Also called: MYOPATHY, BENIGN CONGENITAL, WITH CONTRACTURES; Bethlem myopathy 1; Bethlem Muscular Dystrophy. Identifiers: Orphanet 610, MedGen CN029274, MONDO:0024530, OMIM 158810.

Allele frequency attached by ClinVar (database versions not stated): TOPMed 0.00001.
gnomAD v4.1: 18 of 1,609,240 alleles (0.0011%); highest among the groups gnomAD compares: Non-Finnish European, 0.0013%; no homozygotes.

Submissions (2):

Labcorp Genetics (formerly Invitae), Labcorp
Classification: Uncertain significance for Bethlem myopathy 1A. Last evaluated: 2025-10-13. Review status: criteria provided, single submitter. Criteria: Invitae Variant Classification Sherloc (09022015). Collection method: clinical testing. Allele origin: germline.
Comment: This sequence change replaces valine, which is neutral and non-polar, with leucine, which is neutral and non-polar, at codon 969 of the COL6A2 protein (p.Val969Leu). This variant is present in population databases (no rsID available, gnomAD 0.002%). This variant has not been reported in the literature in individuals affected with COL6A2-related conditions. ClinVar contains an entry for this variant (Variation ID: 445599). Invitae Evidence Modeling of protein sequence and biophysical properties (such as structural, functional, and spatial information, amino acid conservation, physicochemical variation, residue mobility, and thermodynamic stability) has been performed for this missense variant. However, the output from this modeling did not meet the statistical confidence thresholds required to predict the impact of this variant on COL6A2 protein function. In summary, the available evidence is currently insufficient to determine the role of this variant in disease. Therefore, it has been classified as a Variant of Uncertain Significance.

Center for Pediatric Genomic Medicine, Children's Mercy Hospital and Clinics
Classification: Uncertain significance. Last evaluated: 2017-05-19. Review status: criteria provided, single submitter. Criteria: ACMG Guidelines, 2015. Collection method: clinical testing. Allele origin: germline.